The following is an entry in ClinVar:

ClinVar aggregate classification (germline): Pathogenic (1 of 4 stars; one submission).

Allele frequency attached by ClinVar (database versions not stated): gnomAD 0.00002; gnomAD exomes 0.00001; TOPMed 0.00002.
gnomAD v4.1: 13 of 1,614,016 alleles (0.00081%); highest among the groups gnomAD compares: Admixed American, 0.0033%; no homozygotes.

Submission:

Labcorp Genetics (formerly Invitae), Labcorp
Classification: Pathogenic. Last evaluated: 2023-10-04. Review status: criteria provided, single submitter. Criteria: Invitae Variant Classification Sherloc (09022015). Collection method: clinical testing. Allele origin: germline.
Comment: This sequence change creates a premature translational stop signal (p.Arg437*) in the FAM20A gene. It is expected to result in an absent or disrupted protein product. Loss-of-function variants in FAM20A are known to be pathogenic (PMID: 21990045, 23434854). This variant is not present in population databases (gnomAD no frequency). This variant has not been reported in the literature in individuals affected with FAM20A-related conditions. For these reasons, this variant has been classified as Pathogenic.

Literature cited by the submitters: PubMed 21990045; PubMed 23434854.

NM_017565.4(FAM20A):c.1309C>T (p.Arg437Ter)

Genes: FAM20A (FAM20A golgi associated secretory pathway pseudokinase; minus strand), PRKAR1A (protein kinase cAMP-dependent type I regulatory subunit alpha; plus strand). Cytogenetic location: 17q24.2.
Variant type: single nucleotide variant.
Coding change: c.1309C>T on transcript NM_017565.4 (MANE Select); coding-DNA position 1309, C replaced by T.
Protein change: p.Arg437Ter; replaces arginine 437 with a stop codon.
Molecular consequence: nonsense. On other transcripts: non-coding transcript variant (1), intron variant (1).
Genome position (GRCh38, 1-based): chr17:68,539,389, G>A on the plus strand (C>T on the coding strand, the complement: FAM20A is on the minus strand). VCF-style: chr17-68539389-G-A. GRCh37 (hg19) VCF-style: chr17-66535530-G-A.
Other names: c.895C>T, p.Arg299Ter (NM_001243746.2); c.973+9388G>A (NM_001276290.1); short protein forms R299*, R437*.
Identifiers: ClinVar variation 2779881 (VCV002779881.3), dbSNP rs2086193164, ClinGen allele CA400756832.